The following is an entry in ClinVar:

ClinVar aggregate classification (germline): Likely benign. Review status: criteria provided, multiple submitters, no conflicts (2 of 4 stars). 4 submissions from 4 submitters: Likely benign (3). 1 of the submissions does not count toward it. Last evaluated 2026-01-05.

Conditions:
REEP6-related disorder. Also called: REEP6-related condition.

Allele frequency attached by ClinVar (database versions not stated): ESP Exome Variant Server 0.00031; TOPMed 0.00039; gnomAD 0.00045 and 0.00046; 1000 Genomes Project 30x 0.00047; ExAC 0.00047; 1000 Genomes Project 0.00060.

Submissions (4):

Labcorp Genetics (formerly Invitae), Labcorp
Classification: Likely benign. Last evaluated: 2026-01-05. Review status: criteria provided, single submitter. Criteria: Invitae Variant Classification Sherloc (09022015). Collection method: clinical testing. Allele origin: germline.

Blueprint Genetics
Classification: Likely benign. Last evaluated: 2024-11-25. Review status: criteria provided, single submitter. Criteria: ACMG Guidelines, 2015. Collection method: clinical testing. Allele origin: germline.

Breakthrough Genomics
Classification: Likely benign. Review status: criteria provided, single submitter. Criteria: ACMG Guidelines, 2015. Collection method: not provided. Allele origin: germline. Inheritance: Autosomal recessive inheritance. Affected: yes.

PreventionGenetics, part of Exact Sciences
Classification: Benign for REEP6-related condition. Last evaluated: 2019-10-25. Review status: no assertion criteria provided. Collection method: clinical testing. Allele origin: germline. Not counted in ClinVar's aggregate classification.
Comment: This variant is classified as benign based on ACMG/AMP sequence variant interpretation guidelines (Richards et al. 2015 PMID: 25741868, with internal and published modifications).

NM_138393.4(REEP6):c.121G>A (p.Val41Ile)

Gene: REEP6 (receptor accessory protein 6; plus strand). Cytogenetic location: 19p13.3.
Variant type: single nucleotide variant.
Coding change: c.121G>A on transcript NM_138393.4 (MANE Select); coding-DNA position 121, G replaced by A.
Protein change: p.Val41Ile; replaces valine 41 with isoleucine.
Molecular consequence: missense variant.
Genome position (GRCh38, 1-based): chr19:1,495,299, G>A. VCF-style: chr19-1495299-G-A. GRCh37 (hg19) VCF-style: chr19-1495298-G-A.
Other names: c.121G>A, p.Val41Ile (NM_001329556.3); short protein forms V41I.
Identifiers: ClinVar variation 713485 (VCV000713485.15), dbSNP rs112457946, ClinGen allele CA9047407.
Genomic context (GRCh38, chr19:1,495,299, plus strand): 5'-TCGTGGGGGCTCAGCGGGTCCCCAGCCCTGGCACACCACCGCCTCTCTCCGGCAGGAGCC[G>A]TCACTCTGCTAAGCCTGTATCTGCTGTTCGGCTACGGAGCGTCTCTGCTGTGCAATCTCA-3'
Protein context (NP_612402.1, residues 31-51): VEKRYLAAGA[Val41Ile]TLLSLYLLFG